The following is an entry in ClinVar:

NM_018127.7(ELAC2):c.2278A>T (p.Met760Leu)

Gene: ELAC2 (elaC ribonuclease Z 2; minus strand). Cytogenetic location: 17p12.
Variant type: single nucleotide variant.
Coding change: c.2278A>T on transcript NM_018127.7 (MANE Select); coding-DNA position 2278, A replaced by T.
Protein change: p.Met760Leu; replaces methionine 760 with leucine.
Molecular consequence: missense variant.
Genome position (GRCh38, 1-based): chr17:12,993,021, T>A on the plus strand (A>T on the coding strand, the complement: ELAC2 is on the minus strand). VCF-style: chr17-12993021-T-A. GRCh37 (hg19) VCF-style: chr17-12896338-T-A.
Other names: c.2158A>T, p.Met720Leu (NM_001165962.2); c.2275A>T, p.Met759Leu (NM_173717.2); short protein forms M720L, M759L, M760L.
Identifiers: ClinVar variation 3613578 (VCV003613578.2).

ClinVar aggregate classification (germline): Uncertain significance (1 of 4 stars; one submission).

Conditions:
Combined oxidative phosphorylation defect type 17. Also called: Combined oxidative phosphorylation deficiency 17. Identifiers: Orphanet 369913, MedGen C3809526, MONDO:0014190, OMIM 615440.

gnomAD v4.1: 5 of 1,604,270 alleles (0.00031%); highest among the groups gnomAD compares: Non-Finnish European, 0.00034%; no homozygotes.

Submission:

Labcorp Genetics (formerly Invitae), Labcorp
Classification: Uncertain significance for Combined oxidative phosphorylation defect type 17. Last evaluated: 2024-02-02. Review status: criteria provided, single submitter. Criteria: Invitae Variant Classification Sherloc (09022015). Collection method: clinical testing. Allele origin: germline.
Comment: This sequence change replaces methionine, which is neutral and non-polar, with leucine, which is neutral and non-polar, at codon 760 of the ELAC2 protein (p.Met760Leu). This variant is not present in population databases (gnomAD no frequency). This variant has not been reported in the literature in individuals affected with ELAC2-related conditions. Advanced modeling of protein sequence and biophysical properties (such as structural, functional, and spatial information, amino acid conservation, physicochemical variation, residue mobility, and thermodynamic stability) performed at Invitae indicates that this missense variant is not expected to disrupt ELAC2 protein function with a negative predictive value of 80%. In summary, the available evidence is currently insufficient to determine the role of this variant in disease. Therefore, it has been classified as a Variant of Uncertain Significance.